The following is an entry in ClinVar:

NM_144499.3(GNAT1):c.-2C>G

Gene: GNAT1 (G protein subunit alpha transducin 1; plus strand). Cytogenetic location: 3p21.31.
Variant type: single nucleotide variant.
Coding change: c.-2C>G on transcript NM_144499.3 (MANE Select); 2 bases upstream of the start codon, C replaced by G.
Molecular consequence: 5 prime UTR variant.
Genome position (GRCh38, 1-based): chr3:50,191,724, C>G. VCF-style: chr3-50191724-C-G. GRCh37 (hg19) VCF-style: chr3-50229157-C-G.
Other names: c.-2C>G (NM_000172.4).
Identifiers: ClinVar variation 346043 (VCV000346043.6), dbSNP rs151191490, ClinGen allele CA2412414.

ClinVar aggregate classification (germline): Benign/Likely benign. Review status: criteria provided, multiple submitters, no conflicts (2 of 4 stars). 2 submissions from 2 submitters: Benign (1); Likely benign (1). Last evaluated 2024-11-26.

Conditions:
Congenital stationary night blindness autosomal dominant 3. Also called: NIGHT BLINDNESS, CONGENITAL STATIONARY, NOUGARET TYPE. Identifiers: Orphanet 215, MedGen C1864870, MONDO:0012497, OMIM 610444.

Allele frequency attached by ClinVar (database versions not stated): TOPMed 0.00014.
gnomAD v4.1: 259 of 1,608,274 alleles (0.016%); highest among the groups gnomAD compares: Admixed American, 0.045%; no homozygotes.

Submissions (2):

Blueprint Genetics
Classification: Likely benign. Last evaluated: 2024-11-26. Review status: criteria provided, single submitter. Criteria: ACMG Guidelines, 2015. Collection method: clinical testing. Allele origin: germline.

Illumina Laboratory Services, Illumina
Classification: Benign for Congenital stationary night blindness autosomal dominant 3. Last evaluated: 2018-01-12. Review status: criteria provided, single submitter. Criteria: ICSL Variant Classification Criteria 13 December 2019. Collection method: clinical testing. Allele origin: germline.
Comment: This variant was observed in the ICSL laboratory as part of a predisposition screen in an ostensibly healthy population. It had not been previously curated by ICSL or reported in the Human Gene Mutation Database (HGMD: prior to June 1st, 2018), and was therefore a candidate for classification through an automated scoring system. Utilizing variant allele frequency, disease prevalence and penetrance estimates, and inheritance mode, an automated score was calculated to assess if this variant is too frequent to cause the disease. Based on the score and internal cut-off values, a variant classified as benign is not then subjected to further curation. The score for this variant resulted in a classification of benign for this disease.